The following is an entry in ClinVar:

ClinVar aggregate classification (germline): Likely benign (1 of 4 stars; one submission).

gnomAD v4.1: 6 of 1,614,076 alleles (0.00037%); highest among the groups gnomAD compares: Non-Finnish European, 0.00051%; no homozygotes.

Submission:

CeGaT Center for Human Genetics Tuebingen
Classification: Likely benign. Last evaluated: 2023-02-01. Review status: criteria provided, single submitter. Criteria: CeGaT Center For Human Genetics Tuebingen Variant Classification Criteria Version 2. Collection method: clinical testing. Allele origin: germline. Affected: yes. Observed: 1 variant allele.
Comment: PGAP2: PM2:Supporting, BP4, BP7

NM_014489.4(PGAP2):c.708+36C>A

Gene: PGAP2 (post-GPI attachment to proteins 2; plus strand). Cytogenetic location: 11p15.4.
Variant type: single nucleotide variant.
Coding change: c.708+36C>A on transcript NM_014489.4 (MANE Select); 36 bases into the intron after coding-DNA position 708, C replaced by A.
Molecular consequence: intron variant. On other transcripts: synonymous variant (4), non-coding transcript variant (2).
Genome position (GRCh38, 1-based): chr11:3,824,412, C>A. VCF-style: chr11-3824412-C-A. GRCh37 (hg19) VCF-style: chr11-3845642-C-A.
Other names: c.561C>A, p.Ala187= (NM_001256237.2, NM_001256238.2, NM_001346404.1); c.744C>A, p.Ala248= (NM_001346403.1); c.579+36C>A (NM_001256235.2); c.268+36C>A (NM_001283040.1); c.523+48C>A (NM_001346401.2); c.678+36C>A (NM_001346397.2); c.708+36C>A (NM_001256236.2); c.535+36C>A (NM_001346399.2); and 4 more.
Identifiers: ClinVar variation 2641521 (VCV002641521.24), dbSNP rs2496337416, ClinGen allele CA2574733023.